The following is an entry in ClinVar:

NM_001371986.1(UNC80):c.4569G>C (p.Met1523Ile)

Gene: UNC80 (unc-80 subunit of NALCN channel complex; plus strand). Cytogenetic location: 2q34.
Variant type: single nucleotide variant.
Coding change: c.4569G>C on transcript NM_001371986.1 (MANE Select); coding-DNA position 4569, G replaced by C.
Protein change: p.Met1523Ile; replaces methionine 1523 with isoleucine.
Molecular consequence: missense variant.
Genome position (GRCh38, 1-based): chr2:209,896,401, G>C. VCF-style: chr2-209896401-G-C. GRCh37 (hg19) VCF-style: chr2-210761125-G-C.
Other names: c.4371G>C, p.Met1457Ile (NM_032504.2); c.4356G>C, p.Met1452Ile (NM_182587.4); short protein forms M1452I, M1457I, M1523I.
Identifiers: ClinVar variation 2134705 (VCV002134705.4), dbSNP rs2471089844, ClinGen allele CA350752282.
Genomic context (GRCh38, chr2:209,896,401, plus strand): 5'-CAGCATTGAGCCAGAGGGAATGAGTAATGCCGGCGCGGAGGAGAATTACCACAGAAACAT[G>C]TCGTGGCTTCATGTAAGTAGGAATCTCAGAAACAGCCCTGAGATCAATTTCTTTTGGCAC-3'
Protein context (NP_001358915.1, residues 1513-1533): AGAEENYHRN[Met1523Ile]SWLHVMILLC

ClinVar aggregate classification (germline): Uncertain significance (1 of 4 stars; one submission).

Submission:

Labcorp Genetics (formerly Invitae), Labcorp
Classification: Uncertain significance. Last evaluated: 2022-05-06. Review status: criteria provided, single submitter. Criteria: Invitae Variant Classification Sherloc (09022015). Collection method: clinical testing. Allele origin: germline.
Comment: In summary, the available evidence is currently insufficient to determine the role of this variant in disease. Therefore, it has been classified as a Variant of Uncertain Significance. Algorithms developed to predict the effect of missense changes on protein structure and function are either unavailable or do not agree on the potential impact of this missense change (SIFT: "Not Available"; PolyPhen-2: "Possibly Damaging"; Align-GVGD: "Not Available"). This variant has not been reported in the literature in individuals affected with UNC80-related conditions. This variant is not present in population databases (gnomAD no frequency). This sequence change replaces methionine, which is neutral and non-polar, with isoleucine, which is neutral and non-polar, at codon 1457 of the UNC80 protein (p.Met1457Ile).